The following is an entry in ClinVar:

ClinVar aggregate classification (germline): Pathogenic (1 of 4 stars; one submission).

Submission:

Labcorp Genetics (formerly Invitae), Labcorp
Classification: Pathogenic. Last evaluated: 2022-07-29. Review status: criteria provided, single submitter. Criteria: Invitae Variant Classification Sherloc (09022015). Collection method: clinical testing. Allele origin: germline.
Comment: This sequence change creates a premature translational stop signal (p.Ser1993Glnfs*6) in the ABCA4 gene. It is expected to result in an absent or disrupted protein product. Loss-of-function variants in ABCA4 are known to be pathogenic (PMID: 10958761, 24938718, 25312043, 26780318). This variant is not present in population databases (gnomAD no frequency). This variant has not been reported in the literature in individuals affected with ABCA4-related conditions. For these reasons, this variant has been classified as Pathogenic.

Literature cited by the submitters: PubMed 10958761; PubMed 24938718; PubMed 25312043; PubMed 26780318.

NM_000350.3(ABCA4):c.5976del (p.Ser1993fs)

Gene: ABCA4 (ATP binding cassette subfamily A member 4; minus strand). Cytogenetic location: 1p22.1.
Variant type: Deletion.
Coding change: c.5976del on transcript NM_000350.3 (MANE Select); coding-DNA position 5976, one base deleted (C; older notation c.5976delC).
Protein change: p.Ser1993fs; shifts the reading frame from serine 1993.
Molecular consequence: frameshift variant.
Genome position (GRCh38, 1-based): chr1:94,007,663, G deleted on the plus strand (C on the coding strand, the reverse complement: ABCA4 is on the minus strand); the first of 2 consecutive G bases (chr1:94,007,663-94,007,664); deleting either gives the same sequence. VCF-style (leftmost placement, unchanged base first): chr1-94007662-AG-A. GRCh37 (hg19) VCF-style: chr1-94473218-AG-A.
Other names: c.5753delC, p.Ser1919Glnfs (NM_001425324.1); short protein forms S1993fs.
Identifiers: ClinVar variation 2020119 (VCV002020119.4), dbSNP rs2523644245, ClinGen allele CA2580063440.
Genomic context (GRCh38, chr1:94,007,662, plus strand): 5'-ACTCCCTGAGACAGGAGGAGCAGGATACTCACCTCTTGCCTGCTACGGTGGCATCCCCTG[AG>A]GTCACTGTGGTGTCCCCAGTGAGCATCTTGAATGTGGTTGTTTTGCCGGCACCATTCACT-3'